The following is an entry in ClinVar:

ClinVar aggregate classification (germline): Likely pathogenic (1 of 4 stars; one submission).

Conditions:
Inborn genetic diseases. Identifiers: MedGen C0950123, MeSH D030342.

Submission:

Ambry Genetics
Classification: Likely pathogenic for Inborn genetic diseases. Last evaluated: 2021-03-25. Review status: criteria provided, single submitter. Criteria: Ambry Variant Classification Scheme 2023. Collection method: clinical testing. Allele origin: germline.
Comment: The c.179_183delTGAAA (p.M60Sfs*21) alteration, located in coding exon 2 of the TRIO gene, consists of a deletion of 5 nucleotides from position 179 to 183, causing a translational frameshift with a predicted alternate stop codon after 21 amino acids.This alteration is expected to result in loss of function by premature protein truncation or nonsense-mediated mRNA decay. Based on data from the Genome Aggregation Database (gnomAD), the TRIO c.179_183delTGAAA alteration was not observed, with coverage at this position. Based on the available evidence, this alteration is classified as likely pathogenic.

NM_007118.4(TRIO):c.179_183del (p.Met60fs)

Gene: TRIO (trio Rho guanine nucleotide exchange factor; plus strand). Cytogenetic location: 5p15.2.
Variant type: Microsatellite.
Coding change: c.179_183del on transcript NM_007118.4 (MANE Select); coding-DNA positions 179 to 183, 5 bases deleted (TGAAA; older notation c.179_183delTGAAA).
Protein change: p.Met60fs; shifts the reading frame from methionine 60.
Molecular consequence: frameshift variant. On other transcripts: non-coding transcript variant (1).
Genome position (GRCh38, 1-based): chr5:14,270,846-14,270,850, TGAAA deleted; deleting any 5 consecutive bases within chr5:14,270,840-14,270,850 gives the same sequence; the c. name uses the placement nearest the transcript's 3' end. VCF-style (leftmost placement, unchanged base first): chr5-14270839-GATGAA-G. GRCh37 (hg19) VCF-style: chr5-14270948-GATGAA-G.
Other names: short protein forms M60fs.
Identifiers: ClinVar variation 985617 (VCV000985617.4), dbSNP rs1795936426, ClinGen allele CA1528664547.